The following is an entry in ClinVar:

NM_000540.3(RYR1):c.6962T>C (p.Ile2321Thr)

Gene: RYR1 (ryanodine receptor 1; plus strand). Cytogenetic location: 19q13.2.
Variant type: single nucleotide variant.
Coding change: c.6962T>C on transcript NM_000540.3 (MANE Select); coding-DNA position 6962, T replaced by C.
Protein change: p.Ile2321Thr; replaces isoleucine 2321 with threonine.
Molecular consequence: missense variant.
Genome position (GRCh38, 1-based): chr19:38,499,178, T>C. VCF-style: chr19-38499178-T-C. GRCh37 (hg19) VCF-style: chr19-38989818-T-C.
Other names: c.6962T>C, p.Ile2321Thr (NM_001042723.2); short protein forms I2321T.
Identifiers: ClinVar variation 946852 (VCV000946852.8), dbSNP rs370500540, ClinGen allele CA068944.

ClinVar aggregate classification (germline): Uncertain significance. Review status: criteria provided, multiple submitters, no conflicts (2 of 4 stars). 2 submissions from 2 submitters: Uncertain significance (2). Last evaluated 2024-03-05.

Conditions:
RYR1-related disorder. Also called: RYR1-related disorders; RYR1-related condition. Identifiers: MedGen CN239331.
Malignant hyperthermia, susceptibility to, 1 (MHS1). Also called: Malignant hyperthermia suceptibility 1; RYR1-Related Malignant Hyperthermia Susceptibility; Anesthesia related hyperthermia; Malignant hyperpyrexia; Fulminating hyperpyrexia; Pharmacogenic myopathy. Identifiers: Orphanet 423, MedGen C2930980, MONDO:0007783, OMIM 145600.

Allele frequency attached by ClinVar (database versions not stated): gnomAD 0.00001; gnomAD exomes 0.00001; ExAC 0.00002; TOPMed 0.00002; ESP Exome Variant Server 0.00015.
gnomAD v4.1: 3 of 1,614,038 alleles (0.00019%); highest among the groups gnomAD compares: African/African-American, 0.0027%; no homozygotes.

Submissions (2):

All of Us Research Program, National Institutes of Health
Classification: Uncertain significance for Malignant hyperthermia, susceptibility to, 1. Last evaluated: 2024-03-05. Review status: criteria provided, single submitter. Criteria: ACMG Guidelines, 2015. Collection method: clinical testing. Allele origin: germline. Inheritance: Autosomal dominant inheritance. Observed: 2 variant alleles, 2 heterozygotes.
Comment: This missense variant replaces isoleucine with threonine at codon 2321 of the RYR1 protein. Computational prediction suggests that this variant may have deleterious impact on protein structure and function (internally defined REVEL score threshold >= 0.7, PMID: 27666373). To our knowledge, functional studies have not been reported for this variant. This variant has not been reported in individuals affected with RYR1-related disorders in the literature. This variant has been identified in 2/251392 chromosomes in the general population by the Genome Aggregation Database (gnomAD). The available evidence is insufficient to determine the role of this variant in disease conclusively. Therefore, this variant is classified as a Variant of Uncertain Significance.

This study involves interpretation of variants in research participants for the purpose of population health screening. Participant phenotype was not available at the time of variant classification. Additional details can be found in publication PMID: 35346344, PMCID: PMC8962531

Labcorp Genetics (formerly Invitae), Labcorp
Classification: Uncertain significance for RYR1-related disorder. Last evaluated: 2021-09-01. Review status: criteria provided, single submitter. Criteria: Invitae Variant Classification Sherloc (09022015). Collection method: clinical testing. Allele origin: germline.
Comment: This sequence change replaces isoleucine with threonine at codon 2321 of the RYR1 protein (p.Ile2321Thr). The isoleucine residue is highly conserved and there is a moderate physicochemical difference between isoleucine and threonine. This variant is present in population databases (rs370500540, ExAC 0.02%). This variant has not been reported in the literature in individuals affected with RYR1-related conditions. Algorithms developed to predict the effect of missense changes on protein structure and function are either unavailable or do not agree on the potential impact of this missense change (SIFT: "Deleterious"; PolyPhen-2: "Benign"; Align-GVGD: "Class C0"). In summary, the available evidence is currently insufficient to determine the role of this variant in disease. Therefore, it has been classified as a Variant of Uncertain Significance.